The following is an entry in ClinVar:

ClinVar aggregate classification (germline): Uncertain significance (1 of 4 stars; one submission).

Conditions:
Joubert syndrome 6 (JBTS6). Identifiers: Orphanet 475, MedGen C1853153, MONDO:0012539, OMIM 610688.

Submission:

Broad Center for Mendelian Genomics, Broad Institute of MIT and Harvard
Classification: Uncertain significance for Joubert syndrome 6. Last evaluated: 2017-06-26. Review status: criteria provided, single submitter. Criteria: ACMG Guidelines, 2015. Collection method: research. Allele origin: germline. Inheritance: Autosomal recessive inheritance. Affected: yes. Observed: 1 variant allele. Study: Broad Institute Center for Mendelian Genomics (CMG).
Comment: Both missense variants absent from gnomAD.

NM_153704.6(TMEM67):c.2779T>C (p.Phe927Leu)

Gene: TMEM67 (transmembrane protein 67; plus strand). Cytogenetic location: 8q22.1.
Variant type: single nucleotide variant.
Coding change: c.2779T>C on transcript NM_153704.6 (MANE Select); coding-DNA position 2779, T replaced by C.
Protein change: p.Phe927Leu; replaces phenylalanine 927 with leucine.
Molecular consequence: missense variant. On other transcripts: non-coding transcript variant (1).
Genome position (GRCh38, 1-based): chr8:93,815,319, T>C. VCF-style: chr8-93815319-T-C. GRCh37 (hg19) VCF-style: chr8-94827547-T-C.
Other names: c.2536T>C, p.Phe846Leu (NM_001142301.1); short protein forms F846L, F927L.
Identifiers: ClinVar variation 495340 (VCV000495340.1), dbSNP rs1554561389, ClinGen allele CA371700956.
Genomic context (GRCh38, chr8:93,815,319, plus strand): 5'-TCCTTTTTTAAATTTCTAATTTATATTTTCTAAATTTTTTTAATAGATGAAGGTTATTCT[T>C]TCAGCAGTGTCCTGTATTATGGAAATGAAGCTACTCTTCTTATTTTTGATCTGCTGTTCT-3'
Protein context (NP_714915.3, residues 917-937): SIFYNDEGYS[Phe927Leu]SSVLYYGNEA